The following is an entry in ClinVar:

NM_001267550.2(TTN):c.19306G>T (p.Glu6436Ter)

Gene: TTN (titin; minus strand). Cytogenetic location: 2q31.2.
Variant type: single nucleotide variant.
Coding change: c.19306G>T on transcript NM_001267550.2 (MANE Select); coding-DNA position 19306, G replaced by T.
Protein change: p.Glu6436Ter; replaces glutamic acid 6436 with a stop codon.
Molecular consequence: nonsense. On other transcripts: intron variant (3).
Genome position (GRCh38, 1-based): chr2:178,728,620, C>A on the plus strand (G>T on the coding strand, the complement: TTN is on the minus strand). VCF-style: chr2-178728620-C-A. GRCh37 (hg19) VCF-style: chr2-179593347-C-A.
Other names: c.18355G>T, p.Glu6119Ter (NM_001256850.1); c.15574G>T, p.Glu5192Ter (NM_133378.4); c.13282+9462G>T (NM_003319.4); c.13858+9462G>T (NM_133437.4); c.13657+9462G>T (NM_133432.3); short protein forms E5192*, E6119*, E6436*.
Identifiers: ClinVar variation 1057093 (VCV001057093.9), dbSNP rs267599063, ClinGen allele CA349556451.
Genomic context (GRCh38, chr2:178,728,620, plus strand): 5'-TGTACTGACCGCTGTCCTGCTTCATTACTGACTGAATTCTAAAACTGGCCACGTTATTTT[C>A]AAAACTCATTGAAAAGTATCTACTGGGAACTATTTGTTTCCCGTCTTTAAGCCATTTCAC-3'

ClinVar aggregate classification (germline): Likely pathogenic (1 of 4 stars; one submission).

Conditions:
Dilated cardiomyopathy 1G (CMD1G). Identifiers: Orphanet 154, MedGen C1858763, MONDO:0011400, OMIM 604145.
Autosomal recessive limb-girdle muscular dystrophy type 2J (LGMDR10). Also called: Limb-girdle muscular dystrophy, type 2J; MUSCULAR DYSTROPHY, LIMB-GIRDLE, AUTOSOMAL RECESSIVE 10. Identifiers: Orphanet 140922, MedGen C1837342, MONDO:0012127, OMIM 608807.

Submission:

Labcorp Genetics (formerly Invitae), Labcorp
Classification: Likely pathogenic for Dilated cardiomyopathy 1G; Autosomal recessive limb-girdle muscular dystrophy type 2J. Last evaluated: 2024-10-18. Review status: criteria provided, single submitter. Criteria: Invitae Variant Classification Sherloc (09022015). Collection method: clinical testing. Allele origin: germline.
Comment: This sequence change creates a premature translational stop signal (p.Glu6436*) in the TTN gene. While this is not anticipated to result in nonsense mediated decay, it is expected to create a truncated TTN protein. This variant is not present in population databases (gnomAD no frequency). This variant has not been reported in the literature in individuals affected with TTN-related conditions. ClinVar contains an entry for this variant (Variation ID: 1057093). Algorithms developed to predict the effect of sequence changes on RNA splicing suggest that this variant may disrupt the consensus splice site. This variant is located in the I band of TTN (PMID: 25589632). Truncating variants in this region have been reported in individuals affected with autosomal recessive centronuclear myopathy (PMID: 23975875, internal data). Truncating variants in this region have also been identified in individuals affected with autosomal dominant dilated cardiomyopathy and/or cardio-related conditions (PMID: 27869827, 32964742, internal data). In summary, the currently available evidence indicates that the variant is pathogenic, but additional data are needed to prove that conclusively. Therefore, this variant has been classified as Likely Pathogenic.

Literature cited by the submitters: PubMed 25589632; PubMed 23975875; PubMed 27869827; PubMed 32964742.